The following is an entry in ClinVar:

NM_004656.4(BAP1):c.1550C>T (p.Thr517Met)

Gene: BAP1 (BRCA1 associated deubiquitinase 1; minus strand). Cytogenetic location: 3p21.1.
Variant type: single nucleotide variant.
Coding change: c.1550C>T on transcript NM_004656.4 (MANE Select); coding-DNA position 1550, C replaced by T.
Protein change: p.Thr517Met; replaces threonine 517 with methionine.
Molecular consequence: missense variant.
Genome position (GRCh38, 1-based): chr3:52,403,595, G>A on the plus strand (C>T on the coding strand, the complement: BAP1 is on the minus strand). VCF-style: chr3-52403595-G-A. GRCh37 (hg19) VCF-style: chr3-52437611-G-A.
Other names: short protein forms T517M.
Identifiers: ClinVar variation 539914 (VCV000539914.23), dbSNP rs764748646, ClinGen allele CA2436778.

ClinVar aggregate classification (germline): Conflicting classifications of pathogenicity. Review status: criteria provided, conflicting classifications (1 of 4 stars). 7 submissions from 7 submitters: Uncertain significance (6); Likely benign (1). Last evaluated 2025-11-27.

Conditions:
Hereditary cancer-predisposing syndrome. Also called: Hereditary Cancer Syndrome; Neoplastic Syndromes, Hereditary; Tumor predisposition; Hereditary neoplastic syndrome. Identifiers: Orphanet 140162, MedGen C0027672, MeSH D009386, MONDO:0015356.
BAP1-related tumor predisposition syndrome (TPDS1). Also called: TUMOR PREDISPOSITION SYNDROME 1; Tumor susceptibility linked to germline BAP1 mutations; COMMON Syndrome; BAP1 tumor predisposition syndrome. Identifiers: Orphanet 289539, MedGen C3280492, MONDO:0013692, OMIM 614327.

Allele frequency attached by ClinVar (database versions not stated): gnomAD below 0.00001 and 0.00001; gnomAD exomes below 0.00001; ExAC 0.00001.
gnomAD v4.1: 11 of 1,614,088 alleles (0.00068%); highest among the groups gnomAD compares: South Asian, 0.0033%; no homozygotes.

Submissions (7):

Labcorp Genetics (formerly Invitae), Labcorp
Classification: Uncertain significance for BAP1-related tumor predisposition syndrome. Last evaluated: 2025-11-27. Review status: criteria provided, single submitter. Criteria: Invitae Variant Classification Sherloc (09022015). Collection method: clinical testing. Allele origin: germline.
Comment: This sequence change replaces threonine, which is neutral and polar, with methionine, which is neutral and non-polar, at codon 517 of the BAP1 protein (p.Thr517Met). This variant is present in population databases (rs764748646, gnomAD 0.003%). This missense change has been observed in individual(s) with a family history of breast cancer (PMID: 30039884). ClinVar contains an entry for this variant (Variation ID: 539914). Invitae Evidence Modeling of protein sequence and biophysical properties (such as structural, functional, and spatial information, amino acid conservation, physicochemical variation, residue mobility, and thermodynamic stability) indicates that this missense variant is expected to disrupt BAP1 protein function with a positive predictive value of 80%. In summary, the available evidence is currently insufficient to determine the role of this variant in disease. Therefore, it has been classified as a Variant of Uncertain Significance.

Ambry Genetics
Classification: Likely benign for Hereditary cancer-predisposing syndrome. Last evaluated: 2024-12-11. Review status: criteria provided, single submitter. Criteria: Ambry Variant Classification Scheme 2023. Collection method: clinical testing. Allele origin: germline.

Color Diagnostics, LLC DBA Color Health
Classification: Uncertain significance for Hereditary cancer-predisposing syndrome. Last evaluated: 2024-11-14. Review status: criteria provided, single submitter. Criteria: ACMG Guidelines, 2015. Collection method: clinical testing. Allele origin: germline.
Comment: This missense variant replaces threonine with methionine at codon 517 of the BAP1 protein. Computational prediction tool suggests that this variant may not impact protein structure and function. To our knowledge, functional studies have not been performed for this variant. This variant has not been reported in individuals affected with hereditary cancer in the literature. This variant has been identified in 1/251120 chromosomes in the general population by the Genome Aggregation Database (gnomAD). The available evidence is insufficient to determine the role of this variant in disease conclusively. Therefore, this variant is classified as a Variant of Uncertain Significance.

Quest Diagnostics Nichols Institute San Juan Capistrano
Classification: Uncertain significance. Last evaluated: 2024-09-09. Review status: criteria provided, single submitter. Criteria: Quest Diagnostics criteria. Collection method: clinical testing. Allele origin: unknown.
Comment: The BAP1 c.1550C>T (p.Thr517Met) variant has been reported in the published literature in an individual with breast cancer (PMID: 30039884 (2018)). The frequency of this variant in the general population, 0.000004 (1/251120 chromosomes (Genome Aggregation Database)), is uninformative in the assessment of its pathogenicity. Analysis of this variant using bioinformatics tools for the prediction of the effect of amino acid changes on protein structure and function yielded conflicting predictions that this variant is benign or damaging. Based on the available information, we are unable to determine the clinical significance of this variant.

GeneDx
Classification: Uncertain significance. Last evaluated: 2024-03-29. Review status: criteria provided, single submitter. Criteria: GeneDx Variant Classification Process June 2021. Collection method: clinical testing. Allele origin: germline. Affected: yes.
Comment: Not observed at significant frequency in large population cohorts (gnomAD); In silico analysis supports that this missense variant does not alter protein structure/function; Observed in individual(s) with a family history of breast cancer (PMID: 30039884); This variant is associated with the following publications: (PMID: 27494029, 30258054, 26452128, 30039884)

Baylor Genetics
Classification: Uncertain significance for BAP1-related tumor predisposition syndrome. Last evaluated: 2024-02-26. Review status: criteria provided, single submitter. Criteria: ACMG Guidelines, 2015. Collection method: clinical testing. Allele origin: unknown.

Blueprint Genetics
Classification: Uncertain significance. Last evaluated: 2022-02-04. Review status: criteria provided, single submitter. Criteria: ACMG Guidelines, 2015. Collection method: clinical testing. Allele origin: germline.

Literature cited by the submitters: PubMed 30039884 (cited by Labcorp Genetics (formerly Invitae), Labcorp and Quest Diagnostics Nichols Institute San Juan Capistrano); PubMed 38969833 (cited by Ambry Genetics).